The following is an entry in ClinVar:

NM_020911.2(PLXNA4):c.117A>G (p.Ser39=)

Gene: PLXNA4 (plexin A4; minus strand). Cytogenetic location: 7q32.3.
Variant type: single nucleotide variant.
Coding change: c.117A>G on transcript NM_020911.2 (MANE Select); coding-DNA position 117, A replaced by G.
Protein change: p.Ser39=; no amino-acid change (serine 39 retained).
Molecular consequence: synonymous variant.
Genome position (GRCh38, 1-based): chr7:132,508,577, T>C on the plus strand (A>G on the coding strand, the complement: PLXNA4 is on the minus strand). VCF-style: chr7-132508577-T-C. GRCh37 (hg19) VCF-style: chr7-132193336-T-C.
Other names: c.117A>G, p.Ser39= (NM_001105543.2, NM_001393897.1, NM_181775.4).
Identifiers: ClinVar variation 3354157 (VCV003354157.1).

ClinVar aggregate classification (germline): Likely benign (0 of 4 stars; one submission).

Conditions:
PLXNA4-related disorder. Also called: PLXNA4-related condition.

gnomAD v4.1: 5 of 1,613,992 alleles (0.00031%); highest among the groups gnomAD compares: Non-Finnish European, 0.00042%; no homozygotes.

Submission:

PreventionGenetics, part of Exact Sciences
Classification: Likely benign for PLXNA4-related condition. Last evaluated: 2022-04-26. Review status: no assertion criteria provided. Collection method: clinical testing. Allele origin: germline.
Comment: This variant is classified as likely benign based on ACMG/AMP sequence variant interpretation guidelines (Richards et al. 2015 PMID: 25741868, with internal and published modifications).